The following is an entry in ClinVar:

NM_000350.3(ABCA4):c.4108del (p.His1370fs)

Gene: ABCA4 (ATP binding cassette subfamily A member 4; minus strand). Cytogenetic location: 1p22.1.
Variant type: Deletion.
Coding change: c.4108del on transcript NM_000350.3 (MANE Select); coding-DNA position 4108, one base deleted (C; older notation c.4108delC).
Protein change: p.His1370fs; shifts the reading frame from histidine 1370.
Molecular consequence: frameshift variant.
Genome position (GRCh38, 1-based): chr1:94,031,798, G deleted on the plus strand (C on the coding strand, the reverse complement: ABCA4 is on the minus strand); the first of 2 consecutive G bases (chr1:94,031,798-94,031,799); deleting either gives the same sequence. VCF-style (leftmost placement, unchanged base first): chr1-94031797-TG-T. GRCh37 (hg19) VCF-style: chr1-94497353-TG-T.
Other names: c.3885delC, p.His1296Thrfs (NM_001425324.1); short protein forms H1370fs.
Identifiers: ClinVar variation 801509 (VCV000801509.6), dbSNP rs1571265125, ClinGen allele CA915941341.

ClinVar aggregate classification (germline): Pathogenic. Review status: criteria provided, multiple submitters, no conflicts (2 of 4 stars). 2 submissions from 2 submitters: Pathogenic (2). Last evaluated 2022-07-04.

Conditions:
Severe early-childhood-onset retinal dystrophy (STGD1). Also called: Stargardt macular dystrophy; Juvenile onset macular degeneration; Stargardt disease 1; MACULAR DYSTROPHY WITH FLECKS, TYPE 1; STGD. Identifiers: Orphanet 364055, Orphanet 827, MedGen C1855465, MeSH D000080362, MONDO:0009549, OMIM 248200.

Submissions (2):

Labcorp Genetics (formerly Invitae), Labcorp
Classification: Pathogenic. Last evaluated: 2022-07-04. Review status: criteria provided, single submitter. Criteria: Invitae Variant Classification Sherloc (09022015). Collection method: clinical testing. Allele origin: germline.
Comment: For these reasons, this variant has been classified as Pathogenic. ClinVar contains an entry for this variant (Variation ID: 801509). This variant has not been reported in the literature in individuals affected with ABCA4-related conditions. This variant is not present in population databases (gnomAD no frequency). This sequence change creates a premature translational stop signal (p.His1370Thrfs*19) in the ABCA4 gene. It is expected to result in an absent or disrupted protein product. Loss-of-function variants in ABCA4 are known to be pathogenic (PMID: 10958761, 24938718, 25312043, 26780318).

Mendelics
Classification: Pathogenic for Severe early-childhood-onset retinal dystrophy. Last evaluated: 2019-05-28. Review status: criteria provided, single submitter. Criteria: Mendelics Assertion Criteria 2017. Collection method: clinical testing. Allele origin: unknown.

Literature cited by the submitters: PubMed 10958761 (cited by Labcorp Genetics (formerly Invitae), Labcorp); PubMed 24938718 (cited by Labcorp Genetics (formerly Invitae), Labcorp); PubMed 25312043 (cited by Labcorp Genetics (formerly Invitae), Labcorp); PubMed 26780318 (cited by Labcorp Genetics (formerly Invitae), Labcorp).